The following is an entry in ClinVar:

NM_016203.4(PRKAG2):c.1614A>G (p.Ala538=)

Gene: PRKAG2 (protein kinase AMP-activated non-catalytic subunit gamma 2; minus strand). Cytogenetic location: 7q36.1.
Variant type: single nucleotide variant.
Coding change: c.1614A>G on transcript NM_016203.4 (MANE Select); coding-DNA position 1614, A replaced by G.
Protein change: p.Ala538=; no amino-acid change (alanine 538 retained).
Molecular consequence: synonymous variant.
Genome position (GRCh38, 1-based): chr7:151,560,588, T>C on the plus strand (A>G on the coding strand, the complement: PRKAG2 is on the minus strand). VCF-style: chr7-151560588-T-C. GRCh37 (hg19) VCF-style: chr7-151257674-T-C.
Other names: c.1482A>G, p.Ala494= (NM_001040633.2); c.1239A>G, p.Ala413= (NM_001304527.2); c.891A>G, p.Ala297= (NM_001304531.2, NM_024429.2); c.1242A>G, p.Ala414= (NM_001363698.2).
Identifiers: ClinVar variation 1095018 (VCV001095018.13), dbSNP rs368852903, ClinGen allele CA055633.
Genomic context (GRCh38, chr7:151,560,588, plus strand): 5'-TGGTGTGAGGATCAGGGCTTGCAGAATGTCCGACAGGGAAATAATACCCACAATACTATC[T>C]GCTTCATTTACCACCACCAGCCGATGGACCTGCAAAGAGAAAAGCAGGACACGTGAAAAT-3'
Protein context (NP_057287.2, residues 528-548): EVHRLVVVNE[Ala538=]DSIVGIISLS

ClinVar aggregate classification (germline): Likely benign. Review status: criteria provided, multiple submitters, no conflicts (2 of 4 stars). 4 submissions from 4 submitters: Likely benign (4). Last evaluated 2025-05-22.

Conditions:
Cardiovascular phenotype. Identifiers: MedGen CN230736.
Lethal congenital glycogen storage disease of heart. Also called: PHOSPHORYLASE KINASE DEFICIENCY OF HEART; GLYCOGEN STORAGE DISEASE OF HEART. Identifiers: Orphanet 439854, MedGen C1849813, MONDO:0009867, OMIM 261740.
Hypertrophic cardiomyopathy. Also called: HYPERTROPHIC MYOCARDIOPATHY. Identifiers: Orphanet 217569, MedGen C0007194, MeSH D002312, MONDO:0005045, HP:0001639.
Cardiomyopathy (CMYO). Also called: Cardiomyopathies. Identifiers: Orphanet 167848, MedGen C0878544, MONDO:0004994, HP:0001638. Inheritance: Various modes of inheritance.

Allele frequency attached by ClinVar (database versions not stated): gnomAD exomes below 0.00001 and 0.00001; ExAC 0.00001; gnomAD 0.00003 and 0.00004; TOPMed 0.00006; ESP Exome Variant Server 0.00008.
gnomAD v4.1: 10 of 1,613,846 alleles (0.00062%); highest among the groups gnomAD compares: African/African-American, 0.013%; no homozygotes.

Submissions (4):

Labcorp Genetics (formerly Invitae), Labcorp
Classification: Likely benign for Lethal congenital glycogen storage disease of heart. Last evaluated: 2025-05-22. Review status: criteria provided, single submitter. Criteria: Invitae Variant Classification Sherloc (09022015). Collection method: clinical testing. Allele origin: germline.

All of Us Research Program, National Institutes of Health
Classification: Likely benign for Hypertrophic cardiomyopathy. Last evaluated: 2024-02-05. Review status: criteria provided, single submitter. Criteria: ACMG Guidelines, 2015. Collection method: clinical testing. Allele origin: germline. Inheritance: Autosomal dominant inheritance. Observed: 1 variant allele, 1 heterozygote.
Comment: This study involves interpretation of variants in research participants for the purpose of population health screening. Participant phenotype was not available at the time of variant classification. Additional details can be found in publication PMID: 35346344, PMCID: PMC8962531

Color Diagnostics, LLC DBA Color Health
Classification: Likely benign for Cardiomyopathy. Last evaluated: 2022-11-06. Review status: criteria provided, single submitter. Criteria: ACMG Guidelines, 2015. Collection method: clinical testing. Allele origin: germline.

Ambry Genetics
Classification: Likely benign for Cardiovascular phenotype. Last evaluated: 2022-07-23. Review status: criteria provided, single submitter. Criteria: Ambry Variant Classification Scheme 2023. Collection method: clinical testing. Allele origin: germline.